The following is an entry in ClinVar:

NM_000037.4(ANK1):c.5164del (p.Gln1722fs)

Gene: ANK1 (ankyrin 1; minus strand). Cytogenetic location: 8p11.21.
Variant type: Deletion.
Coding change: c.5164del on transcript NM_000037.4 (MANE Select); coding-DNA position 5164, one base deleted (C; older notation c.5164delC).
Protein change: p.Gln1722fs; shifts the reading frame from glutamine 1722.
Molecular consequence: frameshift variant.
Genome position (GRCh38, 1-based): chr8:41,668,497, G deleted on the plus strand (C on the coding strand, the reverse complement: ANK1 is on the minus strand). VCF-style (leftmost placement, unchanged base first): chr8-41668496-TG-T. GRCh37 (hg19) VCF-style: chr8-41526014-TG-T.
Other names: c.5164delC (NM_020476.2); c.4678del, p.Gln1560fs (NM_020477.3); c.5287del, p.Gln1763fs (NM_001142446.2); c.5164del, p.Gln1722fs (NM_020475.3, NM_020476.3); short protein forms Q1560fs, Q1722fs, Q1763fs.
Identifiers: ClinVar variation 2690527 (VCV002690527.3), dbSNP rs2487607275, ClinGen allele CA2697549852.

ClinVar aggregate classification (germline): Likely pathogenic. Review status: criteria provided, multiple submitters, no conflicts (2 of 4 stars). 2 submissions from 2 submitters: Likely pathogenic (2). Last evaluated 2026-09-17.

Conditions:
ANK1-related disorder. Also called: ANK1-related condition.
Hereditary spherocytosis type 1. Also called: Spherocytosis type 1; ANK1-Related Spherocytosis. Identifiers: Orphanet 822, MedGen C2674218, MONDO:0008447, OMIM 182900.

Submissions (2):

PreventionGenetics, part of Exact Sciences
Classification: Likely pathogenic for ANK1-related condition. Last evaluated: 2026-09-17. Review status: criteria provided, single submitter. Criteria: ACMG Guidelines, 2015. Collection method: clinical testing. Allele origin: germline.
Comment: The ANK1 c.5164delC variant is predicted to result in a frameshift and premature protein termination (p.Gln1722Lysfs*17). To our knowledge, this variant has not been reported in the literature or in a large population database, indicating this variant is rare. Frameshift variants in ANK1 are expected to be pathogenic. This variant is interpreted as likely pathogenic.

Revvity Omics, Revvity
Classification: Likely pathogenic for Hereditary spherocytosis type 1. Last evaluated: 2023-05-15. Review status: criteria provided, single submitter. Criteria: ACMG Guidelines, 2015. Collection method: clinical testing. Allele origin: germline.